The following is an entry in ClinVar:

NM_002432.3(MNDA):c.1060G>C (p.Gly354Arg)

Gene: MNDA (myeloid cell nuclear differentiation antigen; plus strand). Cytogenetic location: 1q23.1.
Variant type: single nucleotide variant.
Coding change: c.1060G>C on transcript NM_002432.3 (MANE Select); coding-DNA position 1060, G replaced by C.
Protein change: p.Gly354Arg; replaces glycine 354 with arginine.
Molecular consequence: missense variant.
Genome position (GRCh38, 1-based): chr1:158,847,800, G>C. VCF-style: chr1-158847800-G-C. GRCh37 (hg19) VCF-style: chr1-158817590-G-C.
Other names: short protein forms G354R.
Identifiers: ClinVar variation 3222166 (VCV003222166.1), dbSNP rs2526092490, ClinGen allele CA343044117.

ClinVar aggregate classification (germline): Uncertain significance (1 of 4 stars; one submission).

gnomAD v4.1: 1 of 1,614,020 alleles (0.000062%); no homozygotes.

Submission:

Ambry Genetics
Classification: Uncertain significance. Last evaluated: 2024-02-09. Review status: criteria provided, single submitter. Criteria: Ambry Variant Classification Scheme 2023. Collection method: clinical testing. Allele origin: germline.
Comment: The p.G354R variant (also known as c.1060G>C), located in coding exon 5 of the MNDA gene, results from a G to C substitution at nucleotide position 1060. The glycine at codon 354 is replaced by arginine, an amino acid with dissimilar properties. This amino acid position is conserved. In addition, this alteration is predicted to be tolerated by in silico analysis. Based on the available evidence, the clinical significance of this alteration remains unclear.